The following is an entry in ClinVar:

ClinVar aggregate classification (germline): Pathogenic. Review status: criteria provided, multiple submitters, no conflicts (2 of 4 stars). 7 submissions from 7 submitters: Pathogenic (7). Last evaluated 2025-08-22.

Conditions:
Developmental and epileptic encephalopathy 116. Identifiers: MedGen C5935615, MONDO:0970945, OMIM 620806.
Microcephaly 5, primary, autosomal recessive (MCPH5). Also called: ASPM Primary Microcephaly. Identifiers: Orphanet 2512, MedGen C1837501, MONDO:0012106, OMIM 608716.

Allele frequency attached by ClinVar (database versions not stated): gnomAD 0.00002; gnomAD exomes 0.00002 and 0.00003; TOPMed 0.00002; ExAC 0.00003.
gnomAD v4.1: 31 of 1,613,200 alleles (0.0019%); highest among the groups gnomAD compares: Non-Finnish European, 0.0025%; no homozygotes.

Submissions (7):

Variantyx, Inc.
Classification: Pathogenic for Developmental and epileptic encephalopathy 116. Last evaluated: 2025-08-22. Review status: criteria provided, single submitter. Criteria: Variantyx Assertion Criteria 2022. Collection method: clinical testing. Allele origin: germline. Inheritance: Autosomal recessive inheritance. Affected: yes.
Comment: This is a nonsense variant in the ASPM gene (OMIM: 605481). Pathogenic variants in this gene have been associated with autosomal recessive primary microcephaly 5. This variant introduces a premature termination codon in exon 10 out of 28, and is expected to result in loss of function, which is a known disease mechanism for ASPM in this disorder (PMID: 19028728, 23611254) (PVS1). This variant has been identified in the homozygous state in at least one individual reported in the published literature (PMID: 23611254) (PM3). This variant has a 0.0025% maximum allele frequency in non-founder control populations (PM2). Based on the current evidence, this variant is classified as pathogenic for autosomal recessive primary microcephaly 5.A

Labcorp Genetics (formerly Invitae), Labcorp
Classification: Pathogenic. Last evaluated: 2025-05-26. Review status: criteria provided, single submitter. Criteria: Invitae Variant Classification Sherloc (09022015). Collection method: clinical testing. Allele origin: germline.
Comment: This sequence change creates a premature translational stop signal (p.Arg931*) in the ASPM gene. It is expected to result in an absent or disrupted protein product. Loss-of-function variants in ASPM are known to be pathogenic (PMID: 19028728, 23611254). This variant is present in population databases (rs587783227, gnomAD 0.006%). This premature translational stop signal has been observed in individual(s) with primary autosomal recessive microcephaly (PMID: 23611254). ClinVar contains an entry for this variant (Variation ID: 157797). For these reasons, this variant has been classified as Pathogenic.

Institute of Human Genetics, University of Leipzig Medical Center
Classification: Pathogenic for Microcephaly 5, primary, autosomal recessive. Last evaluated: 2025-03-04. Review status: criteria provided, single submitter. Criteria: ACMG Guidelines, 2015. Collection method: clinical testing. Allele origin: unknown. Inheritance: Autosomal recessive inheritance. Affected: yes.
Comment: Criteria applied: PVS1,PM2

GeneDx
Classification: Pathogenic. Last evaluated: 2024-12-12. Review status: criteria provided, single submitter. Criteria: GeneDx Variant Classification Process June 2021. Collection method: clinical testing. Allele origin: germline. Affected: yes.
Comment: Nonsense variant predicted to result in protein truncation or nonsense mediated decay in a gene for which loss of function is a known mechanism of disease; Not observed at significant frequency in large population cohorts (gnomAD); This variant is associated with the following publications: (PMID: 31589614, 30487145, 23611254)

Revvity Omics, Revvity
Classification: Pathogenic for Microcephaly 5, primary, autosomal recessive. Last evaluated: 2023-06-16. Review status: criteria provided, single submitter. Criteria: ACMG Guidelines, 2015. Collection method: clinical testing. Allele origin: germline.

Genome-Nilou Lab
Classification: Pathogenic for Microcephaly 5, primary, autosomal recessive. Last evaluated: 2023-04-11. Review status: criteria provided, single submitter. Criteria: ACMG Guidelines, 2015. Collection method: clinical testing. Allele origin: germline. Affected: no.

Genetic Services Laboratory, University of Chicago
Classification: Pathogenic for Microcephaly 5, primary, autosomal recessive. Last evaluated: 2013-02-08. Review status: criteria provided, single submitter. Criteria: ACMG Guidelines, 2007. Collection method: clinical testing. Allele origin: germline. Inheritance: Autosomal recessive inheritance. Affected: yes.

Literature cited by the submitters: PubMed 23611254 (cited by Variantyx, Inc. and Labcorp Genetics (formerly Invitae), Labcorp); PubMed 19028728 (cited by Variantyx, Inc. and Labcorp Genetics (formerly Invitae), Labcorp).

NM_018136.5(ASPM):c.2791C>T (p.Arg931Ter)

Gene: ASPM (assembly factor for spindle microtubules; minus strand). Cytogenetic location: 1q31.3.
Variant type: single nucleotide variant.
Coding change: c.2791C>T on transcript NM_018136.5 (MANE Select); coding-DNA position 2791, C replaced by T.
Protein change: p.Arg931Ter; replaces arginine 931 with a stop codon.
Molecular consequence: nonsense.
Genome position (GRCh38, 1-based): chr1:197,128,635, G>A on the plus strand (C>T on the coding strand, the complement: ASPM is on the minus strand). VCF-style: chr1-197128635-G-A. GRCh37 (hg19) VCF-style: chr1-197097765-G-A.
Other names: c.2791C>T, p.Arg931Ter (NM_001206846.2); short protein forms R931*.
Identifiers: ClinVar variation 157797 (VCV000157797.17), dbSNP rs587783227, ClinGen allele CA271017.
Genomic context (GRCh38, chr1:197,128,635, plus strand): 5'-CAGGTAATCCCAATAAGCCAAGGTGACGGGAAAGGTCACCTTCACCACTTAGGAAATCTC[G>A]TGAAAAAGCCAAAAGGATTTCTTTACTAGCCTATAAAGAAATAAGTTCCAGATATTATAT-3'